The following is an entry in ClinVar:

ClinVar aggregate classification (germline): Uncertain significance (1 of 4 stars; one submission).

Allele frequency attached by ClinVar (database versions not stated): gnomAD exomes below 0.00001.
gnomAD v4.1: 1 of 1,604,974 alleles (0.000062%); highest among the groups gnomAD compares: Non-Finnish European, 0.000085%; no homozygotes.

Submission:

Labcorp Genetics (formerly Invitae), Labcorp
Classification: Uncertain significance. Last evaluated: 2022-08-30. Review status: criteria provided, single submitter. Criteria: Invitae Variant Classification Sherloc (09022015). Collection method: clinical testing. Allele origin: germline.
Comment: In summary, the available evidence is currently insufficient to determine the role of this variant in disease. Therefore, it has been classified as a Variant of Uncertain Significance. Algorithms developed to predict the effect of missense changes on protein structure and function are either unavailable or do not agree on the potential impact of this missense change (SIFT: "Deleterious"; PolyPhen-2: "Probably Damaging"; Align-GVGD: "Class C0"). This variant has not been reported in the literature in individuals affected with ZNF408-related conditions. This variant is not present in population databases (gnomAD no frequency). This sequence change replaces lysine, which is basic and polar, with arginine, which is basic and polar, at codon 605 of the ZNF408 protein (p.Lys605Arg).

NM_024741.3(ZNF408):c.1814A>G (p.Lys605Arg)

Gene: ZNF408 (zinc finger protein 408; plus strand). Cytogenetic location: 11p11.2.
Variant type: single nucleotide variant.
Coding change: c.1814A>G on transcript NM_024741.3 (MANE Select); coding-DNA position 1814, A replaced by G.
Protein change: p.Lys605Arg; replaces lysine 605 with arginine.
Molecular consequence: missense variant.
Genome position (GRCh38, 1-based): chr11:46,705,514, A>G. VCF-style: chr11-46705514-A-G. GRCh37 (hg19) VCF-style: chr11-46727064-A-G.
Other names: c.1790A>G, p.Lys597Arg (NM_001184751.2); short protein forms K605R, K597R.
Identifiers: ClinVar variation 1932797 (VCV001932797.5), dbSNP rs2502796946, ClinGen allele CA380257588.